The following is an entry in ClinVar:

NM_000222.3(KIT):c.2910_2911delinsAA (p.Leu971Ile)

Gene: KIT (KIT proto-oncogene, receptor tyrosine kinase; plus strand). Cytogenetic location: 4q12.
Variant type: Indel.
Coding change: c.2910_2911delinsAA on transcript NM_000222.3 (MANE Select); coding-DNA positions 2910 to 2911, GC replaced by AA.
Protein change: p.Leu971Ile; replaces leucine 971 with isoleucine.
Molecular consequence: missense variant.
Genome position (GRCh38, 1-based): chr4:54,738,536-54,738,537, GC replaced by AA. VCF-style: chr4-54738536-GC-AA. GRCh37 (hg19) VCF-style: chr4-55604702-GC-AA.
Other names: c.2898_2899delinsAA, p.Leu967Ile (NM_001093772.2, NM_001385292.1); c.2913_2914delinsAA, p.Leu972Ile (NM_001385284.1); c.2907_2908delinsAA, p.Leu970Ile (NM_001385285.1); c.2895_2896delinsAA, p.Leu966Ile (NM_001385286.1); c.2901_2902delinsAA, p.Leu968Ile (NM_001385288.1); c.2910_2911delinsAA, p.Leu971Ile (NM_001385290.1); short protein forms L970I, L968I, L972I, L966I, L967I, L971I.
Identifiers: ClinVar variation 2995642 (VCV002995642.3), dbSNP rs2475590286, ClinGen allele CA2740091288.

ClinVar aggregate classification (germline): Uncertain significance (1 of 4 stars; one submission).

Conditions:
Gastrointestinal stromal tumor. Also called: Gastrointestinal stromal tumor, somatic; Gastrointestinal stroma tumor. Identifiers: Orphanet 44890, MedGen C0238198, MeSH D046152, MONDO:0011719, OMIM 606764, HP:0100723.

Submission:

Labcorp Genetics (formerly Invitae), Labcorp
Classification: Uncertain significance for Gastrointestinal stromal tumor. Last evaluated: 2024-04-27. Review status: criteria provided, single submitter. Criteria: Invitae Variant Classification Sherloc (09022015). Collection method: clinical testing. Allele origin: germline.
Comment: This sequence change replaces leucine, which is neutral and non-polar, with isoleucine, which is neutral and non-polar, at codon 971 of the KIT protein (p.Leu971Ile). Information on the frequency of this variant in the gnomAD database is not available, as this variant may be reported differently in the database. This variant has not been reported in the literature in individuals affected with KIT-related conditions. Experimental studies and prediction algorithms are not available or were not evaluated, and the functional significance of this variant is currently unknown. In summary, the available evidence is currently insufficient to determine the role of this variant in disease. Therefore, it has been classified as a Variant of Uncertain Significance.